The following is an entry in ClinVar:

NM_006904.7(PRKDC):c.3196C>G (p.Leu1066Val)

Gene: PRKDC (protein kinase, DNA-activated, catalytic subunit; minus strand). Cytogenetic location: 8q11.21.
Variant type: single nucleotide variant.
Coding change: c.3196C>G on transcript NM_006904.7 (MANE Select); coding-DNA position 3196, C replaced by G.
Protein change: p.Leu1066Val; replaces leucine 1066 with valine.
Molecular consequence: missense variant.
Genome position (GRCh38, 1-based): chr8:47,902,642, G>C on the plus strand (C>G on the coding strand, the complement: PRKDC is on the minus strand). VCF-style: chr8-47902642-G-C. GRCh37 (hg19) VCF-style: chr8-48815202-G-C.
Other names: c.3196C>G, p.Leu1066Val (NM_001081640.2); short protein forms L1066V.
Identifiers: ClinVar variation 1728716 (VCV001728716.2), dbSNP rs2089708504, ClinGen allele CA371156725.
Genomic context (GRCh38, chr8:47,902,642, plus strand): 5'-AGATATTATTAAAGGCAAGTGATGCTCCCAGCCTCTTGAAAGCATTGGGGTGAAGCGCAA[G>C]GCTATAAAGTCGCTTGAAAAGCGATTTGGTGTTTACTGGACTCTTCTCCTGCTGCTGTGG-3'
Protein context (NP_008835.5, residues 1056-1076): TKSLFKRLYS[Leu1066Val]ALHPNAFKRL

ClinVar aggregate classification (germline): Uncertain significance (1 of 4 stars; one submission).

Submission:

Ambry Genetics
Classification: Uncertain significance. Last evaluated: 2022-03-06. Review status: criteria provided, single submitter. Criteria: Ambry Variant Classification Scheme 2023. Collection method: clinical testing. Allele origin: germline.
Comment: The p.L1066V variant (also known as c.3196C>G), located in coding exon 27 of the PRKDC gene, results from a C to G substitution at nucleotide position 3196. The leucine at codon 1066 is replaced by valine, an amino acid with highly similar properties. This amino acid position is conserved. In addition, this alteration is predicted to be tolerated by in silico analysis. Since supporting evidence is limited at this time, the clinical significance of this alteration remains unclear.